The following is an entry in ClinVar:

ClinVar aggregate classification (germline): Likely benign. Review status: criteria provided, multiple submitters, no conflicts (2 of 4 stars). 5 submissions from 5 submitters: Likely benign (5). Last evaluated 2026-09-23.

Conditions:
Neurofibromatosis, type 1 (NF1). Also called: VON RECKLINGHAUSEN DISEASE; NEUROFIBROMATOSIS, TYPE I, SOMATIC; Neurofibromatosis, type I; Peripheral type neurofibromatosis. Identifiers: Orphanet 636, MedGen C0027831, MONDO:0018975, OMIM 162200. Disease mechanism: loss of function.
Neurofibromatosis, familial spinal (FSNF). Identifiers: Orphanet 636, MedGen C1834235, MONDO:0008078, OMIM 162210. Disease mechanism: loss of function.
Juvenile myelomonocytic leukemia (JMML). Also called: LEUKEMIA, JUVENILE MYELOMONOCYTIC, SOMATIC. Identifiers: Orphanet 86834, MedGen C0349639, MONDO:0011908, OMIM 607785, HP:0012209.
Neurofibromatosis-Noonan syndrome (NFNS). Also called: NEUROFIBROMATOSIS WITH NOONAN PHENOTYPE. Identifiers: Orphanet 638, MedGen C2931482, MONDO:0011035, OMIM 601321. Disease mechanism: loss of function.
Café-au-lait macules with pulmonary stenosis (WTSN). Also called: PULMONIC STENOSIS WITH CAFE-AU-LAIT SPOTS. Identifiers: MedGen C0553586, MONDO:0008672, OMIM 193520.

Allele frequency attached by ClinVar (database versions not stated): TOPMed 0.00001; gnomAD 0.00003 and 0.00004.
gnomAD v4.1: 7 of 1,612,386 alleles (0.00043%); highest among the groups gnomAD compares: African/African-American, 0.0094%; no homozygotes.

Submissions (5):

Myriad Genetics, Inc.
Classification: Likely benign for Neurofibromatosis, type 1. Last evaluated: 2026-09-23. Review status: criteria provided, single submitter. Criteria: Myriad Autosomal Dominant, Autosomal Recessive and X-Linked Classification Criteria (2023). Collection method: clinical testing. Allele origin: unknown.
Comment: This variant is considered likely benign. This variant is intronic and is not expected to impact mRNA splicing.

Labcorp Genetics (formerly Invitae), Labcorp
Classification: Likely benign for Neurofibromatosis, type 1. Last evaluated: 2026-01-06. Review status: criteria provided, single submitter. Criteria: Invitae Variant Classification Sherloc (09022015). Collection method: clinical testing. Allele origin: germline.

Women's Health and Genetics/Laboratory Corporation of America, LabCorp
Classification: Likely benign. Last evaluated: 2024-12-12. Review status: criteria provided, single submitter. Criteria: LabCorp Variant Classification Summary - May 2015. Collection method: clinical testing. Allele origin: germline.

KCCC/NGS Laboratory, Kuwait Cancer Control Center
Classification: Likely benign for Neurofibromatosis, familial spinal. Last evaluated: 2023-07-07. Review status: criteria provided, single submitter. Criteria: ACMG Guidelines, 2015. Collection method: clinical testing. Allele origin: germline. Affected: yes.

Fulgent Genetics
Classification: Likely benign for Neurofibromatosis, type 1; Neurofibromatosis, familial spinal; Café-au-lait macules with pulmonary stenosis; Neurofibromatosis-Noonan syndrome; Juvenile myelomonocytic leukemia. Last evaluated: 2021-08-02. Review status: criteria provided, single submitter. Criteria: ACMG Guidelines, 2015. Collection method: clinical testing. Allele origin: unknown.

NM_001042492.3(NF1):c.61-9T>C

Gene: NF1 (neurofibromin 1; plus strand). Cytogenetic location: 17q11.2.
Variant type: single nucleotide variant.
Coding change: c.61-9T>C on transcript NM_001042492.3 (MANE Select); 9 bases into the intron before coding-DNA position 61, T replaced by C.
Molecular consequence: intron variant.
Genome position (GRCh38, 1-based): chr17:31,155,974, T>C. VCF-style: chr17-31155974-T-C. GRCh37 (hg19) VCF-style: chr17-29482992-T-C.
Other names: c.61-9T>C (NM_000267.4, NM_001128147.3, NM_001042492.2).
Identifiers: ClinVar variation 457784 (VCV000457784.13), dbSNP rs780956522, ClinGen allele CA8485468.